The following is an entry in ClinVar:

ClinVar aggregate classification (germline): Uncertain significance (1 of 4 stars; one submission).

Conditions:
Primary ciliary dyskinesia 30. Also called: CILIARY DYSKINESIA, PRIMARY, 30, WITH OR WITHOUT SITUS INVERSUS. Identifiers: Orphanet 244, MedGen C4015016, MONDO:0014465, OMIM 616037.

gnomAD v4.1: 2 of 1,610,038 alleles (0.00012%); highest among the groups gnomAD compares: East Asian, 0.0022%; no homozygotes.

Submission:

Labcorp Genetics (formerly Invitae), Labcorp
Classification: Uncertain significance for Primary ciliary dyskinesia 30. Last evaluated: 2022-03-26. Review status: criteria provided, single submitter. Criteria: Invitae Variant Classification Sherloc (09022015). Collection method: clinical testing. Allele origin: germline.
Comment: In summary, the available evidence is currently insufficient to determine the role of this variant in disease. Therefore, it has been classified as a Variant of Uncertain Significance. Algorithms developed to predict the effect of missense changes on protein structure and function (SIFT, PolyPhen-2, Align-GVGD) all suggest that this variant is likely to be tolerated. This variant has not been reported in the literature in individuals affected with CCDC151-related conditions. This variant is present in population databases (no rsID available, gnomAD 0.006%). This sequence change replaces glutamic acid, which is acidic and polar, with lysine, which is basic and polar, at codon 394 of the CCDC151 protein (p.Glu394Lys).

NM_145045.5(ODAD3):c.1180G>A (p.Glu394Lys)

Gene: ODAD3 (outer dynein arm docking complex subunit 3; minus strand). Cytogenetic location: 19p13.2.
Variant type: single nucleotide variant.
Coding change: c.1180G>A on transcript NM_145045.5 (MANE Select); coding-DNA position 1180, G replaced by A.
Protein change: p.Glu394Lys; replaces glutamic acid 394 with lysine.
Molecular consequence: missense variant.
Genome position (GRCh38, 1-based): chr19:11,422,798, C>T on the plus strand (G>A on the coding strand, the complement: ODAD3 is on the minus strand). VCF-style: chr19-11422798-C-T. GRCh37 (hg19) VCF-style: chr19-11533466-C-T.
Other names: c.1018G>A, p.Glu340Lys (NM_001302453.1); c.1000G>A, p.Glu334Lys (NM_001302454.2); short protein forms E394K, E334K, E340K.
Identifiers: ClinVar variation 2117896 (VCV002117896.4), dbSNP rs774998681, ClinGen allele CA404120369.